The following is an entry in ClinVar:

ClinVar aggregate classification (germline): Uncertain significance (1 of 4 stars; one submission).

Conditions:
T-cell immunodeficiency, congenital alopecia, and nail dystrophy. Also called: Congenital alopecia and nail dystrophy associated with severe functional T-cell immunodeficiency; Pignata Guarino syndrome. Identifiers: Orphanet 169095, MedGen C1866426, MONDO:0011132, OMIM 601705.

Allele frequency attached by ClinVar (database versions not stated): ExAC 0.00001; TOPMed 0.00002; gnomAD 0.00003; gnomAD exomes 0.00003.
gnomAD v4.1: 42 of 1,611,918 alleles (0.0026%); highest among the groups gnomAD compares: South Asian, 0.0066%; no homozygotes.

Submission:

Labcorp Genetics (formerly Invitae), Labcorp
Classification: Uncertain significance for T-cell immunodeficiency, congenital alopecia, and nail dystrophy. Last evaluated: 2024-07-02. Review status: criteria provided, single submitter. Criteria: Invitae Variant Classification Sherloc (09022015). Collection method: clinical testing. Allele origin: germline.
Comment: This sequence change replaces arginine, which is basic and polar, with histidine, which is basic and polar, at codon 23 of the FOXN1 protein (p.Arg23His). This variant is present in population databases (rs769294768, gnomAD 0.007%). This variant has not been reported in the literature in individuals affected with FOXN1-related conditions. ClinVar contains an entry for this variant (Variation ID: 2169479). Algorithms developed to predict the effect of missense changes on protein structure and function output the following: SIFT: "Not Available"; PolyPhen-2: "Benign"; Align-GVGD: "Not Available". The histidine amino acid residue is found in multiple mammalian species, which suggests that this missense change does not adversely affect protein function. In summary, the available evidence is currently insufficient to determine the role of this variant in disease. Therefore, it has been classified as a Variant of Uncertain Significance.

NM_001369369.1(FOXN1):c.68G>A (p.Arg23His)

Gene: FOXN1 (forkhead box N1; plus strand). Cytogenetic location: 17q11.2.
Variant type: single nucleotide variant.
Coding change: c.68G>A on transcript NM_001369369.1 (MANE Select); coding-DNA position 68, G replaced by A.
Protein change: p.Arg23His; replaces arginine 23 with histidine.
Molecular consequence: missense variant.
Genome position (GRCh38, 1-based): chr17:28,524,037, G>A. VCF-style: chr17-28524037-G-A. GRCh37 (hg19) VCF-style: chr17-26851055-G-A.
Other names: c.68G>A, p.Arg23His (NM_003593.3); short protein forms R23H.
Identifiers: ClinVar variation 2169479 (VCV002169479.3), dbSNP rs769294768, ClinGen allele CA8459131.